The following is an entry in ClinVar:

NM_014003.4(DHX38):c.320A>T (p.Asp107Val)

Gene: DHX38 (DEAH-box helicase 38; plus strand). Cytogenetic location: 16q22.2.
Variant type: single nucleotide variant.
Coding change: c.320A>T on transcript NM_014003.4 (MANE Select); coding-DNA position 320, A replaced by T.
Protein change: p.Asp107Val; replaces aspartic acid 107 with valine.
Molecular consequence: missense variant.
Genome position (GRCh38, 1-based): chr16:72,096,477, A>T. VCF-style: chr16-72096477-A-T. GRCh37 (hg19) VCF-style: chr16-72130376-A-T.
Other names: short protein forms D107V.
Identifiers: ClinVar variation 1362581 (VCV001362581.8), dbSNP rs2144129867, ClinGen allele CA396700529.

ClinVar aggregate classification (germline): Uncertain significance (1 of 4 stars; one submission).

Submission:

Labcorp Genetics (formerly Invitae), Labcorp
Classification: Uncertain significance. Last evaluated: 2021-06-19. Review status: criteria provided, single submitter. Criteria: Invitae Variant Classification Sherloc (09022015). Collection method: clinical testing. Allele origin: germline.
Comment: This sequence change replaces aspartic acid with valine at codon 107 of the DHX38 protein (p.Asp107Val). The aspartic acid residue is highly conserved and there is a large physicochemical difference between aspartic acid and valine. This variant is not present in population databases (ExAC no frequency). This variant has not been reported in the literature in individuals with DHX38-related conditions. Algorithms developed to predict the effect of missense changes on protein structure and function are either unavailable or do not agree on the potential impact of this missense change (SIFT: "Deleterious"; PolyPhen-2: "Benign"; Align-GVGD: "Class C0"). In summary, the available evidence is currently insufficient to determine the role of this variant in disease. Therefore, it has been classified as a Variant of Uncertain Significance.